The following is an entry in ClinVar:

NM_001035.3(RYR2):c.1665C>G (p.Leu555=)

Gene: RYR2 (ryanodine receptor 2; plus strand). Cytogenetic location: 1q43.
Variant type: single nucleotide variant.
Coding change: c.1665C>G on transcript NM_001035.3 (MANE Select); coding-DNA position 1665, C replaced by G.
Protein change: p.Leu555=; no amino-acid change (leucine 555 retained).
Molecular consequence: synonymous variant.
Genome position (GRCh38, 1-based): chr1:237,469,144, C>G. VCF-style: chr1-237469144-C-G. GRCh37 (hg19) VCF-style: chr1-237632444-C-G.
Identifiers: ClinVar variation 766292 (VCV000766292.11), dbSNP rs371262363, ClinGen allele CA423813363.

ClinVar aggregate classification (germline): Likely benign. Review status: criteria provided, multiple submitters, no conflicts (2 of 4 stars). 2 submissions from 2 submitters: Likely benign (2). Last evaluated 2024-04-18.

Conditions:
Catecholaminergic polymorphic ventricular tachycardia (CVPT). Also called: Catecholamine-induced polymorphic ventricular tachycardia. Identifiers: Orphanet 3286, MedGen C5574922, MONDO:0017990.
Catecholaminergic polymorphic ventricular tachycardia 1. Also called: RYR2-Related Catecholaminergic Polymorphic Ventricular Tachycardia; VENTRICULAR TACHYCARDIA, CATECHOLAMINERGIC POLYMORPHIC, 1, WITH OR WITHOUT ATRIAL DYSFUNCTION AND/OR DILATED CARDIOMYOPATHY; VENTRICULAR TACHYCARDIA, STRESS-INDUCED POLYMORPHIC 1. Identifiers: Orphanet 3286, MedGen C1631597, MONDO:0011484, OMIM 604772.

gnomAD v4.1: 1 of 1,611,852 alleles (0.000062%); highest among the groups gnomAD compares: Non-Finnish European, 0.000085%; no homozygotes.

Submissions (2):

Labcorp Genetics (formerly Invitae), Labcorp
Classification: Likely benign for Catecholaminergic polymorphic ventricular tachycardia 1. Last evaluated: 2024-04-18. Review status: criteria provided, single submitter. Criteria: Invitae Variant Classification Sherloc (09022015). Collection method: clinical testing. Allele origin: germline.

All of Us Research Program, National Institutes of Health
Classification: Likely benign for Catecholaminergic polymorphic ventricular tachycardia. Last evaluated: 2023-09-17. Review status: criteria provided, single submitter. Criteria: ACMG Guidelines, 2015. Collection method: clinical testing. Allele origin: germline. Inheritance: Autosomal dominant inheritance. Observed: 1 variant allele, 1 heterozygote.
Comment: This study involves interpretation of variants in research participants for the purpose of population health screening. Participant phenotype was not available at the time of variant classification. Additional details can be found in publication PMID: 35346344, PMCID: PMC8962531